The following is an entry in ClinVar:

ClinVar aggregate classification (germline): Benign/Likely benign. Review status: criteria provided, multiple submitters, no conflicts (2 of 4 stars). 2 submissions from 2 submitters: Benign (1); Likely benign (1). Last evaluated 2024-06-03.

Conditions:
Ataxia-telangiectasia syndrome (AT). Also called: Ataxia telangiectasia (A-T); ATAXIA-TELANGIECTASIA, COMPLEMENTATION GROUP A; ATAXIA-TELANGIECTASIA, FRESNO VARIANT; Ataxia-telangiectasia; Ataxia-telangiectasia, complementation group E; LOUIS-BAR SYNDROME. Identifiers: Orphanet 100, MedGen C0004135, MONDO:0008840, OMIM 208900.
Familial cancer of breast. Also called: Hereditary breast cancer; hereditary breast carcinoma; BREAST CANCER, FAMILIAL. Identifiers: Orphanet 227535, MedGen C0346153, MONDO:0016419, OMIM 114480. Disease mechanism: loss of function.

Allele frequency attached by ClinVar (database versions not stated): gnomAD exomes below 0.00001; ExAC 0.00001.

Submissions (2):

Myriad Genetics, Inc.
Classification: Benign for Familial cancer of breast. Last evaluated: 2024-06-03. Review status: criteria provided, single submitter. Criteria: Myriad Autosomal Dominant, Autosomal Recessive and X-Linked Classification Criteria (2023). Collection method: clinical testing. Allele origin: unknown.
Comment: This variant is considered benign. This variant is a silent/synonymous amino acid change and it is not expected to impact splicing.

Labcorp Genetics (formerly Invitae), Labcorp
Classification: Likely benign for Ataxia-telangiectasia syndrome. Last evaluated: 2019-10-26. Review status: criteria provided, single submitter. Criteria: Invitae Variant Classification Sherloc (09022015). Collection method: clinical testing. Allele origin: germline.

NM_000051.4(ATM):c.6195T>C (p.Ile2065=)

Genes: ATM (ATM serine/threonine kinase; plus strand), C11orf65 (chromosome 11 open reading frame 65; minus strand). Cytogenetic location: 11q22.3.
Variant type: single nucleotide variant.
Coding change: c.6195T>C on transcript NM_000051.4 (MANE Select); coding-DNA position 6195, T replaced by C.
Protein change: p.Ile2065=; no amino-acid change (isoleucine 2065 retained).
Molecular consequence: synonymous variant. On other transcripts: intron variant (2).
Genome position (GRCh38, 1-based): chr11:108,316,110, T>C. VCF-style: chr11-108316110-T-C. GRCh37 (hg19) VCF-style: chr11-108186837-T-C.
Other names: c.6195T>C, p.Ile2065= (NM_001351834.2); c.641-7039A>G (NM_001330368.2); c.*39-7039A>G (NM_001351110.2).
Identifiers: ClinVar variation 1082340 (VCV001082340.10), dbSNP rs756309395, ClinGen allele CA6265874.